The following is an entry in ClinVar:

ClinVar aggregate classification (germline): Conflicting classifications of pathogenicity. Review status: criteria provided, conflicting classifications (1 of 4 stars). 11 submissions from 11 submitters: Uncertain significance (9); Likely benign (1). 1 of the submissions does not count toward it. Last evaluated 2026-02-03.

Conditions:
Hereditary cancer-predisposing syndrome. Also called: Tumor predisposition; Hereditary neoplastic syndrome; Neoplastic Syndromes, Hereditary; Hereditary Cancer Syndrome. Identifiers: Orphanet 140162, MedGen C0027672, MeSH D009386, MONDO:0015356.
Familial adenomatous polyposis 2. Also called: Adenomas, multiple colorectal; MUTYH-associated polyposis; MUTYH-related attenuated familial adenomatous polyposis; MUTYH Polyposis; COLORECTAL ADENOMATOUS POLYPOSIS, AUTOSOMAL RECESSIVE; ADENOMAS, MULTIPLE COLORECTAL, AUTOSOMAL RECESSIVE. Identifiers: Orphanet 220460, Orphanet 247798, MedGen C3272841, MONDO:0012041, OMIM 608456.

Allele frequency attached by ClinVar (database versions not stated): gnomAD 0.00003 and 0.00004; TOPMed 0.00003; gnomAD exomes 0.00004; ExAC 0.00006.
gnomAD v4.1: 27 of 1,613,988 alleles (0.0017%); highest among the groups gnomAD compares: Admixed American, 0.01%; no homozygotes.

Submissions (11):

Labcorp Genetics (formerly Invitae), Labcorp
Classification: Uncertain significance for Familial adenomatous polyposis 2. Last evaluated: 2026-02-03. Review status: criteria provided, single submitter. Criteria: Invitae Variant Classification Sherloc (09022015). Collection method: clinical testing. Allele origin: germline.
Comment: This sequence change replaces arginine, which is basic and polar, with cysteine, which is neutral and slightly polar, at codon 203 of the MUTYH protein (p.Arg203Cys). This variant is present in population databases (rs587780748, gnomAD 0.01%). This missense change has been observed in individual(s) with colorectal cancer or multiple colorectal adenomas (PMID: 17949294, 27978560, 28135145). This variant is also known as c.565C>T (p.Arg189Cys). ClinVar contains an entry for this variant (Variation ID: 135988). An algorithm developed to predict the effect of missense changes on protein structure and function (PolyPhen-2) suggests that this variant is likely to be tolerated. In summary, the available evidence is currently insufficient to determine the role of this variant in disease. Therefore, it has been classified as a Variant of Uncertain Significance.

Ambry Genetics
Classification: Likely benign for Hereditary cancer-predisposing syndrome. Last evaluated: 2025-09-09. Review status: criteria provided, single submitter. Criteria: Ambry Variant Classification Scheme 2023. Collection method: clinical testing. Allele origin: germline.

Color Diagnostics, LLC DBA Color Health
Classification: Uncertain significance for Hereditary cancer-predisposing syndrome. Last evaluated: 2025-07-08. Review status: criteria provided, single submitter. Criteria: ACMG Guidelines, 2015. Collection method: clinical testing. Allele origin: germline.
Comment: This missense variant replaces arginine with cysteine at codon 203 of the MUTYH protein. Computational prediction suggests that this variant may not impact protein structure and function. To our knowledge, functional studies have not been reported for this variant. This variant has been reported in an individual with polyposis (PMID: 17949294), two individuals with colorectal cancer (PMID: 27978560, 28135145), and in multiple other individuals with melanoma, kidney cancer, uterine cancer, or breast cancer (PMID: 29684080). In a large breast cancer case-control study, this variant was observed in 0/60466 cases and 2/53461 unaffected controls (PMID: 33471991). This variant has been identified in 12/282786 chromosomes in the general population by the Genome Aggregation Database (gnomAD). The available evidence is insufficient to determine the role of this variant in disease conclusively. Therefore, this variant is classified as a Variant of Uncertain Significance.

All of Us Research Program, National Institutes of Health
Classification: Uncertain significance for Familial adenomatous polyposis 2. Last evaluated: 2024-09-23. Review status: criteria provided, single submitter. Criteria: ACMG Guidelines, 2015. Collection method: clinical testing. Allele origin: germline. Inheritance: Autosomal recessive inheritance. Observed: 4 variant alleles, 4 heterozygotes.
Comment: This missense variant replaces arginine with cysteine at codon 203 of the MUTYH protein. Computational prediction suggests that this variant may not impact protein structure and function (internally defined REVEL score threshold <= 0.5, PMID: 27666373). To our knowledge, functional studies have not been performed for this variant. This variant has been reported in individuals affected with polyposis or colorectal cancer (PMID: 17949294, 28135145, 27978560), melanoma, kidney cancer, uterine cancer, or breast cancer (PMID: 29684080). This variant has been identified in 12/282786 chromosomes in the general population by the Genome Aggregation Database (gnomAD). The available evidence is insufficient to determine the role of this variant in disease conclusively. Therefore, this variant is classified as a Variant of Uncertain Significance.

This study involves interpretation of variants in research participants for the purpose of population health screening. Participant phenotype was not available at the time of variant classification. Additional details can be found in publication PMID: 35346344, PMCID: PMC8962531

Molecular Pathology, Peter Maccallum Cancer Centre
Classification: Uncertain significance for Familial adenomatous polyposis 2. Last evaluated: 2024-07-17. Review status: criteria provided, single submitter. Criteria: ACMG Guidelines, 2015. Collection method: clinical testing. Allele origin: germline. Inheritance: Autosomal recessive inheritance.

Baylor Genetics
Classification: Uncertain significance for Familial adenomatous polyposis 2. Last evaluated: 2024-03-11. Review status: criteria provided, single submitter. Criteria: ACMG Guidelines, 2015. Collection method: clinical testing. Allele origin: unknown.

Quest Diagnostics Nichols Institute San Juan Capistrano
Classification: Uncertain significance. Last evaluated: 2024-01-15. Review status: criteria provided, single submitter. Criteria: Quest Diagnostics criteria. Collection method: clinical testing. Allele origin: unknown.
Comment: The MUTYH c.607C>T (p.Arg203Cys) variant (also known as c.565C>T (p.Arg189Cys)) has been reported in the published literature in individuals with suspected Lynch syndrome and/or polyposis (PMID: 28502729 (2017)), colorectal cancer and colonic adenomas (PMIDs: 27978560 (2017), 28135145 (2017), 17949294 (2007)), and kidney renal papillary cell carcinoma (PMID: 29684080 (2018)). This variant has been identified in at least one reportedly healthy individual in a large scale breast cancer association study (PMID: 33471991 (2021), see also LOVD). The frequency of this variant in the general population, 0.00014 (5/35430 chromosomes (Genome Aggregation Database)), is uninformative in the assessment of its pathogenicity. Analysis of this variant using bioinformatics tools for the prediction of the effect of amino acid changes on protein structure and function yielded conflicting predictions that this variant is benign or damaging. Based on the available information, we are unable to determine the clinical significance of this variant.

GeneDx
Classification: Uncertain significance. Last evaluated: 2022-04-16. Review status: criteria provided, single submitter. Criteria: GeneDx Variant Classification Process June 2021. Collection method: clinical testing. Allele origin: germline. Affected: yes.
Comment: Observed in individuals with a personal history of adenomatous polyps or colorectal cancer (Olschwang 2007, Yurgelun 2017, Pearlman 2017); In silico analysis supports that this missense variant has a deleterious effect on protein structure/function; Not observed at significant frequency in large population cohorts (gnomAD); Also known as c.565C>T (p.Arg189Cys); This variant is associated with the following publications: (PMID: 17949294, 26944241, 28135145, 27978560, 28502729, 29596542, 33553733)

Women's Health and Genetics/Laboratory Corporation of America, LabCorp
Classification: Uncertain significance. Last evaluated: 2022-01-20. Review status: criteria provided, single submitter. Criteria: LabCorp Variant Classification Summary - May 2015. Collection method: clinical testing. Allele origin: germline.
Comment: Variant summary: MUTYH c.607C>T (p.Arg203Cys) results in a non-conservative amino acid change located in the HhH-GPD domain (IPR003265) of the encoded protein sequence. Three of five in-silico tools predict a damaging effect of the variant on protein function. The variant allele was found at a frequency of 4.4e-05 in 251456 control chromosomes (gnomAD). This frequency is not higher than expected for a pathogenic variant in MUTYH causing MUTYH-Associated Polyposis (0.0046), allowing no conclusion about variant significance. The variant c.607C>T (aka. c.565C>T (p.Arg189Cys)) has been reported in the literature in individuals affected with colorectal cancer and polyps (Olschwang_2007, Rey_2017, Pearlman_2016, Yurgelun_2017). However, these reports do not provide unequivocal conclusions about association of the variant with MUTYH-Associated Polyposis. To our knowledge, no experimental evidence demonstrating an impact on protein function has been reported. Seven clinical diagnostic laboratories have submitted clinical-significance assessments for this variant to ClinVar after 2014 without evidence for independent evaluation. All laboratories classified the variant as uncertain significance. Based on the evidence outlined above, the variant was classified as uncertain significance.

Mendelics
Classification: Uncertain significance for Familial adenomatous polyposis 2. Last evaluated: 2019-05-28. Review status: criteria provided, single submitter. Criteria: Mendelics Assertion Criteria 2017. Collection method: clinical testing. Allele origin: unknown.

Counsyl
Classification: Uncertain significance for Familial adenomatous polyposis 2. Last evaluated: 2015-12-22. Review status: no assertion criteria provided. Collection method: clinical testing. Allele origin: unknown. Not counted in ClinVar's aggregate classification.

Literature cited by the submitters: PubMed 17949294 (cited by 7 submitters); PubMed 27978560 (cited by 6 submitters); PubMed 28135145 (cited by 5 submitters); PubMed 29684080 (cited by 3 submitters); PubMed 33471991 (cited by Color Diagnostics, LLC DBA Color Health and Quest Diagnostics Nichols Institute San Juan Capistrano); PubMed 33553733 (cited by Quest Diagnostics Nichols Institute San Juan Capistrano and Women's Health and Genetics/Laboratory Corporation of America, LabCorp); PubMed 28502729 (cited by Quest Diagnostics Nichols Institute San Juan Capistrano and Women's Health and Genetics/Laboratory Corporation of America, LabCorp); PubMed 26944241 (cited by Quest Diagnostics Nichols Institute San Juan Capistrano).

NM_001048174.2(MUTYH):c.523C>T (p.Arg175Cys)

Gene: MUTYH (mutY DNA glycosylase; minus strand). Cytogenetic location: 1p34.1.
Variant type: single nucleotide variant.
Coding change: c.523C>T on transcript NM_001048174.2 (MANE Select); coding-DNA position 523, C replaced by T.
Protein change: p.Arg175Cys; replaces arginine 175 with cysteine.
Molecular consequence: missense variant. On other transcripts: non-coding transcript variant (2).
Genome position (GRCh38, 1-based): chr1:45,332,657, G>A on the plus strand (C>T on the coding strand, the complement: MUTYH is on the minus strand). VCF-style: chr1-45332657-G-A. GRCh37 (hg19) VCF-style: chr1-45798329-G-A.
Other names: c.523C>T, p.Arg175Cys (NM_001048171.2, NM_001048173.2, NM_001293195.2); c.526C>T, p.Arg176Cys (NM_001048172.2); c.607C>T, p.Arg203Cys (NM_001128425.2); c.568C>T, p.Arg190Cys (NM_001293190.2); c.556C>T, p.Arg186Cys (NM_001293191.2); c.247C>T, p.Arg83Cys (NM_001293192.2, NM_001293196.2); c.178C>T, p.Arg60Cys (NM_001350650.2, NM_001350651.2); c.598C>T, p.Arg200Cys (NM_012222.3); short protein forms R203C, R189C, R190C, R83C, R176C, R186C, R200C, R175C.
Identifiers: ClinVar variation 135988 (VCV000135988.40), dbSNP rs587780748, ClinGen allele CA013965.